The following is an entry in ClinVar:

ClinVar aggregate classification (germline): Uncertain significance (1 of 4 stars; one submission).

Submission:

Labcorp Genetics (formerly Invitae), Labcorp
Classification: Uncertain significance. Last evaluated: 2022-05-06. Review status: criteria provided, single submitter. Criteria: Invitae Variant Classification Sherloc (09022015). Collection method: clinical testing. Allele origin: germline.
Comment: In summary, the available evidence is currently insufficient to determine the role of this variant in disease. Therefore, it has been classified as a Variant of Uncertain Significance. This sequence change replaces serine, which is neutral and polar, with asparagine, which is neutral and polar, at codon 889 of the FN1 protein (p.Ser889Asn). This variant is not present in population databases (gnomAD no frequency). This variant has not been reported in the literature in individuals affected with FN1-related conditions. Algorithms developed to predict the effect of missense changes on protein structure and function are either unavailable or do not agree on the potential impact of this missense change (SIFT: "Not Available"; PolyPhen-2: "Probably Damaging"; Align-GVGD: "Not Available").

NM_212482.4(FN1):c.2666G>A (p.Ser889Asn)

Gene: FN1 (fibronectin 1; minus strand). Cytogenetic location: 2q35.
Variant type: single nucleotide variant.
Coding change: c.2666G>A on transcript NM_212482.4 (MANE Select); coding-DNA position 2666, G replaced by A.
Protein change: p.Ser889Asn; replaces serine 889 with asparagine.
Molecular consequence: missense variant.
Genome position (GRCh38, 1-based): chr2:215,407,174, C>T on the plus strand (G>A on the coding strand, the complement: FN1 is on the minus strand). VCF-style: chr2-215407174-C-T. GRCh37 (hg19) VCF-style: chr2-216271897-C-T.
Other names: c.2666G>A, p.Ser889Asn (NM_001306129.2, NM_001306130.2, NM_001306131.2 and 13 more transcripts); short protein forms S889N.
Identifiers: ClinVar variation 2134538 (VCV002134538.4), dbSNP rs2470053735, ClinGen allele CA350490297.
Genomic context (GRCh38, chr2:215,407,174, plus strand): 5'-TTAAAAAAGTTACCTGAGCGTGGGGTGCCAGTGGTTTCTTGTTGAATGACAACAGGTGTA[C>T]TTTCTTGATTTTCTTCCACAGCATAGATAGTGATGTTATACTGAACACCAGGTTGCAAGT-3'
Protein context (NP_997647.2, residues 879-899): TIYAVEENQE[Ser889Asn]TPVVIQQETT